The following is an entry in ClinVar:

ClinVar aggregate classification (germline): Likely benign. Review status: criteria provided, multiple submitters, no conflicts (2 of 4 stars). 2 submissions from 2 submitters: Likely benign (2). Last evaluated 2026-07-01.

Allele frequency attached by ClinVar (database versions not stated): gnomAD 0.00003; TOPMed 0.00003; ExAC 0.00008; 1000 Genomes Project 30x 0.00016; 1000 Genomes Project 0.00020.
gnomAD v4.1: 35 of 1,614,046 alleles (0.0022%); highest among the groups gnomAD compares: Non-Finnish European, 0.0028%; no homozygotes.

Submissions (2):

CeGaT Center for Human Genetics Tuebingen
Classification: Likely benign. Last evaluated: 2026-07-01. Review status: criteria provided, single submitter. Criteria: CeGaT Center For Human Genetics Tuebingen Variant Classification Criteria Version 2. Collection method: clinical testing. Allele origin: germline. Affected: yes. Observed: 1 variant allele.
Comment: NDUFS8: BP4, BP7

Labcorp Genetics (formerly Invitae), Labcorp
Classification: Likely benign. Last evaluated: 2023-01-16. Review status: criteria provided, single submitter. Criteria: Invitae Variant Classification Sherloc (09022015). Collection method: clinical testing. Allele origin: germline.

NM_002496.4(NDUFS8):c.600C>T (p.Ala200=)

Gene: NDUFS8 (NADH:ubiquinone oxidoreductase core subunit S8; plus strand). Cytogenetic location: 11q13.2.
Variant type: single nucleotide variant.
Coding change: c.600C>T on transcript NM_002496.4 (MANE Select); coding-DNA position 600, C replaced by T.
Protein change: p.Ala200=; no amino-acid change (alanine 200 retained).
Molecular consequence: synonymous variant.
Genome position (GRCh38, 1-based): chr11:68,036,560, C>T. VCF-style: chr11-68036560-C-T. GRCh37 (hg19) VCF-style: chr11-67804027-C-T.
Identifiers: ClinVar variation 1930179 (VCV001930179.6), dbSNP rs201663925, ClinGen allele CA6146578.